The following is an entry in ClinVar:

ClinVar aggregate classification (germline): Uncertain significance (1 of 4 stars; one submission).

Conditions:
Familial thoracic aortic aneurysm and aortic dissection (TAAD). Also called: Thoracic aortic aneurysms and dissections. Identifiers: Orphanet 91387, MedGen C4707243, MONDO:0019625.

Submission:

Ambry Genetics
Classification: Uncertain significance for Familial thoracic aortic aneurysm and aortic dissection. Last evaluated: 2025-10-27. Review status: criteria provided, single submitter. Criteria: Ambry Variant Classification Scheme 2023. Collection method: clinical testing. Allele origin: germline.
Comment: The p.E458G variant (also known as c.1373A>G), located in coding exon 8 of the MYLK gene, results from an A to G substitution at nucleotide position 1373. The glutamic acid at codon 458 is replaced by glycine, an amino acid with similar properties. This amino acid position is conserved. In addition, this alteration is predicted to be tolerated by in silico analysis. Based on the available evidence, the clinical significance of this variant remains unclear.

NM_053025.4(MYLK):c.1373A>G (p.Glu458Gly)

Gene: MYLK (myosin light chain kinase; minus strand). Cytogenetic location: 3q21.1.
Variant type: single nucleotide variant.
Coding change: c.1373A>G on transcript NM_053025.4 (MANE Select); coding-DNA position 1373, A replaced by G.
Protein change: p.Glu458Gly; replaces glutamic acid 458 with glycine.
Molecular consequence: missense variant. On other transcripts: intron variant (2).
Genome position (GRCh38, 1-based): chr3:123,733,039, T>C on the plus strand (A>G on the coding strand, the complement: MYLK is on the minus strand). VCF-style: chr3-123733039-T-C. GRCh37 (hg19) VCF-style: chr3-123451886-T-C.
Other names: c.845A>G, p.Glu282Gly (NM_001321309.2); c.1373A>G, p.Glu458Gly (NM_053027.4); c.1309+648A>G (NM_053028.4, NM_053026.4); short protein forms E282G, E458G.
Identifiers: ClinVar variation 4635443 (VCV004635443.1).